The following is an entry in ClinVar:

ClinVar aggregate classification (germline): Uncertain significance. Review status: criteria provided, multiple submitters, no conflicts (2 of 4 stars). 4 submissions from 4 submitters: Uncertain significance (4). Last evaluated 2025-06-06.

Conditions:
Muscular dystrophy-dystroglycanopathy (congenital with brain and eye anomalies), type a, 8 (MDDGA8). Also called: WALKER-WARBURG SYNDROME OR MUSCLE-EYE-BRAIN DISEASE, GTDC2-RELATED. Identifiers: Orphanet 899, MedGen C3553813, MONDO:0013904, OMIM 614830.
Inborn genetic diseases. Identifiers: MedGen C0950123, MeSH D030342.

Allele frequency attached by ClinVar (database versions not stated): ExAC 0.00016; gnomAD exomes 0.00017 and 0.00005; 1000 Genomes Project 0.00020; gnomAD 0.00021 and 0.00022; ESP Exome Variant Server 0.00015; 1000 Genomes Project 30x 0.00031; TOPMed 0.00039.
gnomAD v4.1: 116 of 1,613,828 alleles (0.0072%); highest among the groups gnomAD compares: Admixed American, 0.083%; no homozygotes.

Submissions (4):

GeneDx
Classification: Uncertain significance. Last evaluated: 2025-06-06. Review status: criteria provided, single submitter. Criteria: GeneDx Variant Classification Process June 2021. Collection method: clinical testing. Allele origin: germline. Affected: yes.
Comment: In silico analysis suggests that this missense variant does not alter protein structure/function; Has not been previously published as pathogenic or benign to our knowledge

Labcorp Genetics (formerly Invitae), Labcorp
Classification: Uncertain significance for Muscular dystrophy-dystroglycanopathy (congenital with brain and eye anomalies), type a, 8. Last evaluated: 2024-12-02. Review status: criteria provided, single submitter. Criteria: Invitae Variant Classification Sherloc (09022015). Collection method: clinical testing. Allele origin: germline.
Comment: This sequence change replaces arginine, which is basic and polar, with tryptophan, which is neutral and slightly polar, at codon 468 of the POMGNT2 protein (p.Arg468Trp). This variant is present in population databases (rs137873804, gnomAD 0.1%). This variant has not been reported in the literature in individuals affected with POMGNT2-related conditions. ClinVar contains an entry for this variant (Variation ID: 473274). Invitae Evidence Modeling of protein sequence and biophysical properties (such as structural, functional, and spatial information, amino acid conservation, physicochemical variation, residue mobility, and thermodynamic stability) indicates that this missense variant is not expected to disrupt POMGNT2 protein function with a negative predictive value of 80%. In summary, the available evidence is currently insufficient to determine the role of this variant in disease. Therefore, it has been classified as a Variant of Uncertain Significance.

Ambry Genetics
Classification: Uncertain significance for Inborn genetic diseases. Last evaluated: 2024-07-16. Review status: criteria provided, single submitter. Criteria: Ambry Variant Classification Scheme 2023. Collection method: clinical testing. Allele origin: germline.

Genetic Services Laboratory, University of Chicago
Classification: Uncertain significance. Last evaluated: 2018-11-20. Review status: criteria provided, single submitter. Criteria: ACMG Guidelines, 2015. Collection method: clinical testing. Allele origin: germline. Affected: no.

NM_032806.6(POMGNT2):c.1402C>T (p.Arg468Trp)

Gene: POMGNT2 (protein O-linked mannose N-acetylglucosaminyltransferase 2 (beta 1,4-); minus strand). Cytogenetic location: 3p22.1.
Variant type: single nucleotide variant.
Coding change: c.1402C>T on transcript NM_032806.6 (MANE Select); coding-DNA position 1402, C replaced by T.
Protein change: p.Arg468Trp; replaces arginine 468 with tryptophan.
Molecular consequence: missense variant.
Genome position (GRCh38, 1-based): chr3:43,080,030, G>A on the plus strand (C>T on the coding strand, the complement: POMGNT2 is on the minus strand). VCF-style: chr3-43080030-G-A. GRCh37 (hg19) VCF-style: chr3-43121522-G-A.
Other names: c.1402C>T (NM_032806.4); short protein forms R468W.
Identifiers: ClinVar variation 473274 (VCV000473274.14), dbSNP rs137873804, ClinGen allele CA2339851.